The following is an entry in ClinVar:

NM_013339.4(ALG6):c.409G>T (p.Glu137Ter)

Gene: ALG6 (ALG6 alpha-1,3-glucosyltransferase; plus strand). Cytogenetic location: 1p31.3.
Variant type: single nucleotide variant.
Coding change: c.409G>T on transcript NM_013339.4 (MANE Select); coding-DNA position 409, G replaced by T.
Protein change: p.Glu137Ter; replaces glutamic acid 137 with a stop codon.
Molecular consequence: nonsense.
Genome position (GRCh38, 1-based): chr1:63,406,379, G>T. VCF-style: chr1-63406379-G-T. GRCh37 (hg19) VCF-style: chr1-63872050-G-T.
Other names: short protein forms E137*.
Identifiers: ClinVar variation 1076049 (VCV001076049.7), dbSNP rs2100417039, ClinGen allele CA340634599.

ClinVar aggregate classification (germline): Pathogenic (1 of 4 stars; one submission).

Conditions:
ALG6-congenital disorder of glycosylation 1C (CDG1C). Also called: Congenital disorder of glycosylation, type Ic; CARBOHYDRATE-DEFICIENT GLYCOPROTEIN SYNDROME, TYPE I, WITH DEFICIENT GLYCOSYLATION OF DOLICHOL-LINKED OLIGOSACCHARIDE; CARBOHYDRATE-DEFICIENT GLYCOPROTEIN SYNDROME, TYPE V; Congenital disorder of glycosylation type 1C; CDG Ic. Identifiers: Orphanet 79320, MedGen C2930997, MONDO:0011291, OMIM 603147.

Allele frequency attached by ClinVar (database versions not stated): gnomAD exomes 0.00001.
gnomAD v4.1: 9 of 1,613,154 alleles (0.00056%); highest among the groups gnomAD compares: East Asian, 0.0022%; no homozygotes.

Submission:

Labcorp Genetics (formerly Invitae), Labcorp
Classification: Pathogenic for ALG6-congenital disorder of glycosylation 1C. Last evaluated: 2023-10-24. Review status: criteria provided, single submitter. Criteria: Invitae Variant Classification Sherloc (09022015). Collection method: clinical testing. Allele origin: germline.
Comment: This sequence change creates a premature translational stop signal (p.Glu137*) in the ALG6 gene. It is expected to result in an absent or disrupted protein product. Loss-of-function variants in ALG6 are known to be pathogenic (PMID: 19862844). This variant is not present in population databases (gnomAD no frequency). This variant has not been reported in the literature in individuals affected with ALG6-related conditions. ClinVar contains an entry for this variant (Variation ID: 1076049). Algorithms developed to predict the effect of sequence changes on RNA splicing suggest that this variant may disrupt the consensus splice site. For these reasons, this variant has been classified as Pathogenic.

Literature cited by the submitters: PubMed 19862844.